The following is an entry in ClinVar:

NM_001174147.2(LMX1B):c.586A>G (p.Met196Val)

Gene: LMX1B (LIM homeobox transcription factor 1 beta; plus strand). Cytogenetic location: 9q33.3.
Variant type: single nucleotide variant.
Coding change: c.586A>G on transcript NM_001174147.2 (MANE Select); coding-DNA position 586, A replaced by G.
Protein change: p.Met196Val; replaces methionine 196 with valine.
Molecular consequence: missense variant.
Genome position (GRCh38, 1-based): chr9:126,693,168, A>G. VCF-style: chr9-126693168-A-G. GRCh37 (hg19) VCF-style: chr9-129455447-A-G.
Other names: c.586A>G, p.Met196Val (NM_001174146.2, NM_002316.4); short protein forms M196V.
Identifiers: ClinVar variation 4745050 (VCV004745050.1).
Genomic context (GRCh38, chr9:126,693,168, plus strand): 5'-CCCTTCATCACAGGCCGGGTTGTGTCCCCCACAGTGAAGAGCGAGGATGAAGATGGGGAC[A>G]TGAAGCCGGCCAAGGGGCAGGGCAGTCAGAGCAAGGGCAGCGGGGATGACGGGAAGGACC-3'
Protein context (NP_001167618.1, residues 186-206): SVKSEDEDGD[Met196Val]KPAKGQGSQS

ClinVar aggregate classification (germline): Uncertain significance (1 of 4 stars; one submission).

Submission:

Labcorp Genetics (formerly Invitae), Labcorp
Classification: Uncertain significance. Last evaluated: 2025-07-23. Review status: criteria provided, single submitter. Criteria: Invitae Variant Classification Sherloc (09022015). Collection method: clinical testing. Allele origin: germline.
Comment: This sequence change replaces methionine, which is neutral and non-polar, with valine, which is neutral and non-polar, at codon 196 of the LMX1B protein (p.Met196Val). This variant is not present in population databases (gnomAD no frequency). This variant has not been reported in the literature in individuals affected with LMX1B-related conditions. Invitae Evidence Modeling of protein sequence and biophysical properties (such as structural, functional, and spatial information, amino acid conservation, physicochemical variation, residue mobility, and thermodynamic stability) indicates that this missense variant is not expected to disrupt LMX1B protein function with a negative predictive value of 80%. In summary, the available evidence is currently insufficient to determine the role of this variant in disease. Therefore, it has been classified as a Variant of Uncertain Significance.